The following is an entry in ClinVar:

ClinVar aggregate classification (germline): Likely pathogenic (1 of 4 stars; one submission).

Conditions:
Cardiovascular phenotype. Identifiers: MedGen CN230736.

Submission:

Ambry Genetics
Classification: Likely pathogenic for Cardiovascular phenotype. Last evaluated: 2026-09-11. Review status: criteria provided, single submitter. Criteria: Ambry Variant Classification Scheme 2023. Collection method: clinical testing. Allele origin: germline.
Comment: The c.85delC variant, located in coding exon 2 of the APOA1 gene, results from a deletion of one nucleotide at nucleotide position 85, causing a translational frameshift with a predicted alternate stop codon (p.Q29Rfs*7). The predicted stop codon occurs in the 5&rsquo; end of thegene. Premature termination codons in the 5&rsquo; end of a gene have been reported to escape nonsense-mediated mRNAdecay and/or lead to re-initiation (Rivas et al. Science. 2015 May 8;348(6235):666-9; Lindeboom et al. Nat Genet. 2016 Oct;48(10):1112-8; Rhee et al. Sci Rep. 2017 May 10;7(1):1653). Direct evidence for this variant is unavailable, however premature termination codons are typically deleterious in nature. This variant has been identified in the homozygous state and/or in conjunction with other APOA1 variant(s) in individuals with features consistent with hypoalphalipoproteinemia, including corneal opacifications, planar xanthomas, and at least one individual with premature coronary artery disease (Miccoli R et al. Circulation, 1996 Oct;94:1622-8; Pisciotta L et al. Atherosclerosis, 2003 Apr;167:335-45). Note, this variant is also referred to as "c.79delC, p.Val35(11)X" and "c.85delC, p.Q5FsX11" in the literature. Carrier family members were reported to have reduced HDL-C levels compared with unaffected family members of comparable age, however, none had planar xanthomas or clinical manifestations of coronary artery disease (Miccoli R et al. Circulation, 1996 Oct;94:1622-8; Pisciotta L et al. Atherosclerosis, 2003 Apr;167:335-45). Based on the majority of available evidence to date, this variant is likely to be pathogenic for autosomal dominant and autosomal recessive hypoalphalipoproteinemia, however, its clinical significance for autosomal dominant amyloidosis is uncertain.

Literature cited by the submitters: PubMed 12818417; PubMed 8840853.

NM_000039.3(APOA1):c.85del (p.Gln29fs)

Genes: APOA1 (apolipoprotein A1; minus strand), APOA1-AS (APOA1 antisense RNA; plus strand). Cytogenetic location: 11q23.3.
Variant type: Deletion.
Coding change: c.85del on transcript NM_000039.3 (MANE Select); coding-DNA position 85, one base deleted (C; older notation c.85delC).
Protein change: p.Gln29fs; shifts the reading frame from glutamine 29.
Molecular consequence: frameshift variant. On other transcripts: 5 prime UTR variant (1), intron variant (2).
Genome position (GRCh38, 1-based): chr11:116,837,116, G deleted on the plus strand (C on the coding strand, the reverse complement: APOA1 is on the minus strand); the first of 7 consecutive G bases (chr11:116,837,116-116,837,122); deleting any one gives the same sequence. VCF-style (leftmost placement, unchanged base first): chr11-116837115-TG-T. GRCh37 (hg19) VCF-style: chr11-116707831-TG-T.
Other names: c.85del, p.Gln29fs (NM_001318017.2, NM_001318018.2, NM_001425090.1 and 1 more transcripts); c.-243del (NM_001425092.1); c.-128+229del (NM_001425091.1); c.-240-3del (NM_001318021.2); c.85delC (NM_000039.1); short protein forms Q29fs.
Identifiers: ClinVar variation 5026390 (VCV005026390.1).